The following is an entry in ClinVar:

NM_000135.4(FANCA):c.3613C>T (p.Gln1205Ter)

Gene: FANCA (FA complementation group A; minus strand). Cytogenetic location: 16q24.3.
Variant type: single nucleotide variant.
Coding change: c.3613C>T on transcript NM_000135.4 (MANE Select); coding-DNA position 3613, C replaced by T.
Protein change: p.Gln1205Ter; replaces glutamine 1205 with a stop codon.
Molecular consequence: nonsense.
Genome position (GRCh38, 1-based): chr16:89,744,972, G>A on the plus strand (C>T on the coding strand, the complement: FANCA is on the minus strand). VCF-style: chr16-89744972-G-A. GRCh37 (hg19) VCF-style: chr16-89811380-G-A.
Other names: c.3613C>T, p.Gln1205Ter (NM_001286167.3); short protein forms Q1205*.
Identifiers: ClinVar variation 623913 (VCV000623913.49), dbSNP rs1313006784, ClinGen allele CA397485600.
Genomic context (GRCh38, chr16:89,744,972, plus strand): 5'-CGAAGTGCATCTGGGCGGGCACACCCCATCTCACCACCCACACGTACTCGCTGGCAAACT[G>A]CCGGCCTTCTTGTAGCTTCTGCAGTTCCCGGGGCAGCGGGCTCTGGCAGTGTCTCCTCCA-3'

ClinVar aggregate classification (germline): Pathogenic/Likely pathogenic. Review status: criteria provided, multiple submitters, no conflicts (2 of 4 stars). 2 submissions from 2 submitters: Pathogenic (1); Likely pathogenic (1). Last evaluated 2020-05-12.

Conditions:
Fanconi anemia (FA). Also called: Fanconi's anemia. Identifiers: Orphanet 84, MedGen C0015625, MeSH D005199, MONDO:0019391.

Submissions (2):

Labcorp Genetics (formerly Invitae), Labcorp
Classification: Pathogenic for Fanconi anemia. Last evaluated: 2020-05-12. Review status: criteria provided, single submitter. Criteria: Invitae Variant Classification Sherloc (09022015). Collection method: clinical testing. Allele origin: germline.
Comment: For these reasons, this variant has been classified as Pathogenic. Loss-of-function variants in FANCA are known to be pathogenic (PMID: 19367192). Algorithms developed to predict the effect of sequence changes on RNA splicing suggest that this variant may create or strengthen a splice site, but this prediction has not been confirmed by published transcriptional studies. This variant has not been reported in the literature in individuals with FANCA-related conditions. ClinVar contains an entry for this variant (Variation ID: 623913). This variant is not present in population databases (ExAC no frequency). This sequence change creates a premature translational stop signal (p.Gln1205*) in the FANCA gene. It is expected to result in an absent or disrupted protein product.

CeGaT Center for Human Genetics Tuebingen
Classification: Likely pathogenic. Last evaluated: 2018-07-01. Review status: criteria provided, single submitter. Criteria: CeGaT Center For Human Genetics Tuebingen Variant Classification Criteria Version 2. Collection method: clinical testing. Allele origin: germline. Affected: yes. Observed: 1 variant allele.

Literature cited by the submitters: PubMed 19367192 (cited by Labcorp Genetics (formerly Invitae), Labcorp).